The following is an entry in ClinVar:

NM_001321967.2(ATAD1):c.602G>A (p.Arg201His)

Gene: ATAD1 (ATPase family AAA domain containing 1; minus strand). Cytogenetic location: 10q23.31.
Variant type: single nucleotide variant.
Coding change: c.602G>A on transcript NM_001321967.2 (MANE Select); coding-DNA position 602, G replaced by A.
Protein change: p.Arg201His; replaces arginine 201 with histidine.
Molecular consequence: missense variant. On other transcripts: non-coding transcript variant (1).
Genome position (GRCh38, 1-based): chr10:87,776,409, C>T on the plus strand (G>A on the coding strand, the complement: ATAD1 is on the minus strand). VCF-style: chr10-87776409-C-T. GRCh37 (hg19) VCF-style: chr10-89536166-C-T.
Other names: c.602G>A, p.Arg201His (NM_001321968.2, NM_032810.4); c.245G>A, p.Arg82His (NM_001321969.2); short protein forms R201H, R82H.
Identifiers: ClinVar variation 2111838 (VCV002111838.1), dbSNP rs1283862118, ClinGen allele CA377490020.

ClinVar aggregate classification (germline): Uncertain significance (1 of 4 stars; one submission).

Allele frequency attached by ClinVar (database versions not stated): gnomAD exomes below 0.00001.

Submission:

Labcorp Genetics (formerly Invitae), Labcorp
Classification: Uncertain significance. Last evaluated: 2022-03-14. Review status: criteria provided, single submitter. Criteria: Invitae Variant Classification Sherloc (09022015). Collection method: clinical testing. Allele origin: germline.
Comment: This sequence change replaces arginine, which is basic and polar, with histidine, which is basic and polar, at codon 201 of the ATAD1 protein (p.Arg201His). This variant is present in population databases (no rsID available, gnomAD 0.003%). This variant has not been reported in the literature in individuals affected with ATAD1-related conditions. Algorithms developed to predict the effect of missense changes on protein structure and function are either unavailable or do not agree on the potential impact of this missense change (SIFT: "Not Available"; PolyPhen-2: "Probably Damaging"; Align-GVGD: "Not Available"). In summary, the available evidence is currently insufficient to determine the role of this variant in disease. Therefore, it has been classified as a Variant of Uncertain Significance.